The following is an entry in ClinVar:

NM_152383.5(DIS3L2):c.2394+10C>T

Gene: DIS3L2 (DIS3 like 3'-5' exoribonuclease 2; plus strand). Cytogenetic location: 2q37.1.
Variant type: single nucleotide variant.
Coding change: c.2394+10C>T on transcript NM_152383.5 (MANE Select); 10 bases into the intron after coding-DNA position 2394, C replaced by T.
Molecular consequence: intron variant.
Genome position (GRCh38, 1-based): chr2:232,334,745, C>T. VCF-style: chr2-232334745-C-T. GRCh37 (hg19) VCF-style: chr2-233199455-C-T.
Other names: c.1582-8600C>T (NM_001257281.2).
Identifiers: ClinVar variation 703533 (VCV000703533.13), dbSNP rs776202407, ClinGen allele CA2164522.

ClinVar aggregate classification (germline): Likely benign. Review status: criteria provided, single submitter (1 of 4 stars). 2 submissions from 2 submitters: Likely benign (1). 1 of the submissions does not count toward it. Last evaluated 2025-07-07.

Conditions:
DIS3L2-related disorder. Also called: DIS3L2-related condition.
Perlman syndrome (PRLMNS). Identifiers: Orphanet 2849, MedGen C0796113, MONDO:0009965, OMIM 267000.

Allele frequency attached by ClinVar (database versions not stated): gnomAD exomes 0.00002 and 0.00012; TOPMed 0.00004; gnomAD 0.00005 and 0.00006; ExAC 0.00010.
gnomAD v4.1: 40 of 1,594,782 alleles (0.0025%); highest among the groups gnomAD compares: East Asian, 0.087%; no homozygotes.

Submissions (2):

Labcorp Genetics (formerly Invitae), Labcorp
Classification: Likely benign for Perlman syndrome. Last evaluated: 2025-07-07. Review status: criteria provided, single submitter. Criteria: Invitae Variant Classification Sherloc (09022015). Collection method: clinical testing. Allele origin: germline.

PreventionGenetics, part of Exact Sciences
Classification: Likely benign for DIS3L2-related condition. Last evaluated: 2022-03-16. Review status: no assertion criteria provided. Collection method: clinical testing. Allele origin: germline. Not counted in ClinVar's aggregate classification.
Comment: This variant is classified as likely benign based on ACMG/AMP sequence variant interpretation guidelines (Richards et al. 2015 PMID: 25741868, with internal and published modifications).